The following is an entry in ClinVar:

ClinVar aggregate classification (germline): Uncertain significance (1 of 4 stars; one submission).

Conditions:
Familial thoracic aortic aneurysm and aortic dissection (TAAD). Also called: Thoracic aortic aneurysms and dissections. Identifiers: Orphanet 91387, MedGen C4707243, MONDO:0019625.

gnomAD v4.1: 1 of 1,573,064 alleles (0.000064%); highest among the groups gnomAD compares: Non-Finnish European, 0.000086%; no homozygotes.

Submission:

Ambry Genetics
Classification: Uncertain significance for Familial thoracic aortic aneurysm and aortic dissection. Last evaluated: 2026-09-06. Review status: criteria provided, single submitter. Criteria: Ambry Variant Classification Scheme 2023. Collection method: clinical testing. Allele origin: germline.
Comment: The p.Y317C variant (also known as c.950A>G), located in coding exon 1 of the SKI gene, results from an A to G substitution at nucleotide position 950. The tyrosine at codon 317 is replaced by cysteine, an amino acid with highly dissimilar properties. This amino acid position is conserved. In addition, the in silico prediction for this alteration is inconclusive. Based on the available evidence, the clinical significance of this variant remains unclear.

NM_003036.4(SKI):c.950A>G (p.Tyr317Cys)

Gene: SKI (SKI proto-oncogene; plus strand). Cytogenetic location: 1p36.33.
Variant type: single nucleotide variant.
Coding change: c.950A>G on transcript NM_003036.4 (MANE Select); coding-DNA position 950, A replaced by G.
Protein change: p.Tyr317Cys; replaces tyrosine 317 with cysteine.
Molecular consequence: missense variant.
Genome position (GRCh38, 1-based): chr1:2,229,716, A>G. VCF-style: chr1-2229716-A-G. GRCh37 (hg19) VCF-style: chr1-2161155-A-G.
Other names: short protein forms Y317C.
Identifiers: ClinVar variation 5029581 (VCV005029581.1).